The following is an entry in ClinVar:

NR_027350.2(MIR17HG):n.2089_2093CTTGT[1]

Gene: MIR17HG (miR-17-92a-1 cluster host gene; plus strand). Cytogenetic location: 13q31.3.
Variant type: Microsatellite.
Genome position: GRCh38 VCF-style: chr13-91351511-ATCTTG-A. GRCh37 (hg19) VCF-style: chr13-92003765-ATCTTG-A.
Identifiers: ClinVar variation 2635784 (VCV002635784.1), dbSNP rs778027764, ClinGen allele CA254717591.

ClinVar aggregate classification (germline): Uncertain significance (1 of 4 stars; one submission).

Conditions:
MIR17HG-related disorder. Also called: MIR17HG-related condition.

Submission:

PreventionGenetics, part of Exact Sciences
Classification: Uncertain significance for MIR17HG-related condition. Last evaluated: 2023-02-14. Review status: criteria provided, single submitter. Criteria: ACMG Guidelines, 2015. Collection method: clinical testing. Allele origin: germline.
Comment: The MIR17HG n.1961_1965del5 variant is predicted to result in an in-frame deletion (Non-Coding). To our knowledge, this variant has not been reported in the literature or in a large population database, indicating this variant is rare. At this time, the clinical significance of this variant is uncertain due to the absence of conclusive functional and genetic evidence.